The following is an entry in ClinVar:

ClinVar aggregate classification (germline): Conflicting classifications of pathogenicity. Review status: criteria provided, conflicting classifications (1 of 4 stars). 3 submissions from 3 submitters: Uncertain significance (2); Likely benign (1). Last evaluated 2025-08-23.

Conditions:
Idiopathic basal ganglia calcification 1 (PFBC1A). Also called: Cerebral calcification nonarteriosclerotic idiopathic adult-onset; Striopallidodentate calcinosis autosomal dominant adult-onset; Ferrocalcinosis, cerebrovascular; Fahr disease, familial (formerly); PRIMARY FAMILIAL BRAIN CALCIFICATION 1A, AUTOSOMAL DOMINANT; Familial Idiopathic Basal Ganglia Calcification 3. Identifiers: Orphanet 1980, MedGen C4551624, MONDO:0024538, OMIM 213600.

Allele frequency attached by ClinVar (database versions not stated): gnomAD 0.00001; gnomAD exomes 0.00002; ESP Exome Variant Server 0.00008; ExAC 0.00002; TOPMed 0.00002.
gnomAD v4.1: 56 of 1,613,740 alleles (0.0035%); highest among the groups gnomAD compares: Middle Eastern, 0.016%; no homozygotes.

Submissions (3):

Centre for Medical Genetics,  Mumbai
Classification: Likely benign for Idiopathic basal ganglia calcification 1. Last evaluated: 2025-08-23. Review status: criteria provided, single submitter. Criteria: ACMG Guidelines, 2015. Collection method: clinical testing. Allele origin: germline. Affected: no. Observed: 1 variant allele, 1 heterozygote.

Labcorp Genetics (formerly Invitae), Labcorp
Classification: Uncertain significance. Last evaluated: 2024-11-28. Review status: criteria provided, single submitter. Criteria: Invitae Variant Classification Sherloc (09022015). Collection method: clinical testing. Allele origin: germline.
Comment: This sequence change replaces alanine, which is neutral and non-polar, with threonine, which is neutral and polar, at codon 227 of the SLC20A2 protein (p.Ala227Thr). This variant is present in population databases (rs140978915, gnomAD 0.006%). This variant has not been reported in the literature in individuals affected with SLC20A2-related conditions. ClinVar contains an entry for this variant (Variation ID: 908503). Invitae Evidence Modeling of protein sequence and biophysical properties (such as structural, functional, and spatial information, amino acid conservation, physicochemical variation, residue mobility, and thermodynamic stability) has been performed for this missense variant. However, the output from this modeling did not meet the statistical confidence thresholds required to predict the impact of this variant on SLC20A2 protein function. In summary, the available evidence is currently insufficient to determine the role of this variant in disease. Therefore, it has been classified as a Variant of Uncertain Significance.

Illumina Laboratory Services, Illumina
Classification: Uncertain significance for Idiopathic basal ganglia calcification 1. Last evaluated: 2018-01-13. Review status: criteria provided, single submitter. Criteria: ICSL Variant Classification Criteria 13 December 2019. Collection method: clinical testing. Allele origin: germline.

NM_001257180.2(SLC20A2):c.679G>A (p.Ala227Thr)

Gene: SLC20A2 (solute carrier family 20 member 2; minus strand). Cytogenetic location: 8p11.21.
Variant type: single nucleotide variant.
Coding change: c.679G>A on transcript NM_001257180.2 (MANE Select); coding-DNA position 679, G replaced by A.
Protein change: p.Ala227Thr; replaces alanine 227 with threonine.
Molecular consequence: missense variant.
Genome position (GRCh38, 1-based): chr8:42,444,697, C>T on the plus strand (G>A on the coding strand, the complement: SLC20A2 is on the minus strand). VCF-style: chr8-42444697-C-T. GRCh37 (hg19) VCF-style: chr8-42302215-C-T.
Other names: c.679G>A, p.Ala227Thr (NM_001257181.2, NM_006749.5); short protein forms A227T.
Identifiers: ClinVar variation 908503 (VCV000908503.8), dbSNP rs140978915, ClinGen allele CA4733489.